The following is an entry in ClinVar:

NM_001009944.3(PKD1):c.10796C>T (p.Ser3599Leu)

Genes: PKD1 (polycystin 1, transient receptor potential channel interacting; minus strand), PKD1-AS1 (PKD1 antisense RNA 1; plus strand). Cytogenetic location: 16p13.3.
Variant type: single nucleotide variant.
Coding change: c.10796C>T on transcript NM_001009944.3 (MANE Select); coding-DNA position 10796, C replaced by T.
Protein change: p.Ser3599Leu; replaces serine 3599 with leucine.
Molecular consequence: missense variant.
Genome position (GRCh38, 1-based): chr16:2,093,836, G>A on the plus strand (C>T on the coding strand, the complement: PKD1 is on the minus strand). VCF-style: chr16-2093836-G-A. GRCh37 (hg19) VCF-style: chr16-2143837-G-A.
Other names: c.10793C>T, p.Ser3598Leu (NM_000296.4); short protein forms S3598L, S3599L.
Identifiers: ClinVar variation 1804436 (VCV001804436.4), dbSNP rs2544650057, ClinGen allele CA394339780.

ClinVar aggregate classification (germline): Conflicting classifications of pathogenicity. Review status: criteria provided, conflicting classifications (1 of 4 stars). 4 submissions from 4 submitters: Pathogenic (1); Likely pathogenic (1); Uncertain significance (2). Last evaluated 2025-10-03.

Conditions:
PKD1-related disorder. Also called: PKD1-related condition.
Polycystic kidney disease, adult type (PKD1). Also called: POLYCYSTIC KIDNEY DISEASE, ADULT, TYPE I; Polycystic Kidney, Autosomal Dominant; Polycystic Kidney Disease 1, Autosomal Dominant; Polycystic kidney disease 1; Polycystic kidney disease 1, severe; POLYCYSTIC KIDNEY DISEASE 1 WITH OR WITHOUT POLYCYSTIC LIVER DISEASE. Identifiers: MedGen C3149841, MONDO:0008263, OMIM 173900.

Allele frequency attached by ClinVar (database versions not stated): gnomAD exomes below 0.00001.
gnomAD v4.1: 1 of 1,562,250 alleles (0.000064%); highest among the groups gnomAD compares: Non-Finnish European, 0.000086%; no homozygotes.

Submissions (4):

Women's Health and Genetics/Laboratory Corporation of America, LabCorp
Classification: Uncertain significance. Last evaluated: 2025-10-03. Review status: criteria provided, single submitter. Criteria: LabCorp Variant Classification Summary - May 2015. Collection method: clinical testing. Allele origin: germline.
Comment: Variant summary: PKD1 c.10796C>T (p.Ser3599Leu) results in a non-conservative amino acid change in the encoded protein sequence. Algorithms developed to predict the effect of missense changes on protein structure and function are either unavailable or do not agree on the potential impact of this missense change. The variant was absent in 175820 control chromosomes (gnomAD). c.10796C>T has been observed in individuals affected with Polycystic Kidney Disease 1 (Hwang_2016, Kinoshita_2016). These data indicate that the variant may be associated with disease. To our knowledge, no experimental evidence demonstrating an impact on protein function has been reported. The following publications have been ascertained in the context of this evaluation (PMID: 26453610, 27835667). ClinVar contains an entry for this variant (Variation ID: 1804436). Based on the evidence outlined above, the variant was classified as VUS-possibly pathogenic.

PreventionGenetics, part of Exact Sciences
Classification: Pathogenic for PKD1-related condition. Last evaluated: 2025-06-26. Review status: criteria provided, single submitter. Criteria: ACMG Guidelines, 2015. Collection method: clinical testing. Allele origin: germline.
Comment: The PKD1 c.10796C>T variant is predicted to result in the amino acid substitution p.Ser3599Leu. This variant has been reported to in presumably unrelated individuals with autosomal dominant polycystic kidney disease (ADPKD) (Supplementary table S3 and S6, Hwang et al. 2016. PubMed ID: 26453610; Kinoshita et al. 2016. PubMed ID: 27835667). In addition, we have found this variant in multiple patients tested for PKD at PreventionGenetics (internal data). This variant has not been reported in a large population database (gnomAD), indicating this variant is rare. This variant is interpreted as pathogenic.

Fulgent Genetics
Classification: Likely pathogenic for Polycystic kidney disease, adult type. Last evaluated: 2024-03-28. Review status: criteria provided, single submitter. Criteria: ACMG Guidelines, 2015. Collection method: clinical testing. Allele origin: germline.

GeneDx
Classification: Uncertain significance. Last evaluated: 2022-12-02. Review status: criteria provided, single submitter. Criteria: GeneDx Variant Classification Process June 2021. Collection method: clinical testing. Allele origin: germline. Affected: yes.
Comment: Not observed at significant frequency in large population cohorts (gnomAD); In silico analysis supports that this missense variant has a deleterious effect on protein structure/function; This variant is associated with the following publications: (PMID: 26453610)

Literature cited by the submitters: PubMed 26453610 (cited by Women's Health and Genetics/Laboratory Corporation of America, LabCorp); PubMed 27835667 (cited by Women's Health and Genetics/Laboratory Corporation of America, LabCorp).